The following is an entry in ClinVar:

ClinVar aggregate classification (germline): Likely pathogenic (1 of 4 stars; one submission).

Conditions:
Hereditary cancer-predisposing syndrome. Also called: Tumor predisposition; Hereditary neoplastic syndrome; Neoplastic Syndromes, Hereditary; Hereditary Cancer Syndrome. Identifiers: Orphanet 140162, MedGen C0027672, MeSH D009386, MONDO:0015356.

Submission:

Ambry Genetics
Classification: Likely pathogenic for Hereditary cancer-predisposing syndrome. Last evaluated: 2025-05-15. Review status: criteria provided, single submitter. Criteria: Ambry Variant Classification Scheme 2023. Collection method: clinical testing. Allele origin: germline.
Comment: The c.4987-23_4987-22insALU variant results from the insertion of an Alu between nucleotides c.4987-23 and c.4987-22 in intron 14 of the BRCA1 gene. Mobile element insertions contribute to pathogenicity by either disrupting the coding sequence or inducing aberrant splicing (Belancio VP et al. Semin. Cancer Biol. 2010 Aug;20:200-10; Deininger P et al. Genome Biol. 2011 Dec;12:236; van der Klift HM Hum Mutat. 2012 Jul;33(7):1051-5). RNA studies have demonstrated that this alteration results in abnormal splicing in the set of samples tested (Ambry internal data). Based on the majority of available evidence to date, this variant is likely to be pathogenic.

NM_007294.3:c.4987-23_4987-22insALU

Gene: BRCA1 (BRCA1 DNA repair associated; minus strand).
Variant type: Insertion.
Identifiers: ClinVar variation 3992622 (VCV003992622.1).